The following is an entry in ClinVar:

NC_000007.14:g.156795976T>C

Genes: LMBR1 (limb development membrane protein 1; minus strand), SHH (sonic hedgehog signaling molecule; minus strand). Cytogenetic location: 7q36.3.
Variant type: single nucleotide variant.
Molecular consequence: intron variant (on NM_022458.4).
Genome position: GRCh38 VCF-style: chr7-156795976-T-C. GRCh37 (hg19) VCF-style: chr7-156588670-T-C.
Other names: c.360+413A>G (NM_001363412.2); c.144+413A>G (NM_001350954.2); c.423+413A>G (NM_001363410.2, NM_022458.4, NM_001363409.2 and 1 more transcripts); c.-112+413A>G (NM_001350958.2, NM_001350956.2, NM_001350955.2 and 1 more transcripts); c.54+413A>G (NM_001350957.2, NM_001363411.2).
Identifiers: ClinVar variation 2797950 (VCV002797950.3), dbSNP rs1236435904, ClinGen allele CA835807068.

ClinVar aggregate classification (germline): Uncertain significance (1 of 4 stars; one submission).

Conditions:
Holoprosencephaly 3 (HPE3). Identifiers: Orphanet 2162, MedGen C1840529, MONDO:0007733, OMIM 142945.

Allele frequency attached by ClinVar (database versions not stated): gnomAD 0.00001; TOPMed 0.00001.
gnomAD v4.1: 1 of 152,208 alleles (0.00066%); highest among the groups gnomAD compares: Admixed American, 0.0065%; no homozygotes.

Submission:

Labcorp Genetics (formerly Invitae), Labcorp
Classification: Uncertain significance for Holoprosencephaly 3. Last evaluated: 2022-06-27. Review status: criteria provided, single submitter. Criteria: Invitae Variant Classification Sherloc (09022015). Collection method: clinical testing. Allele origin: germline.
Comment: In summary, the available evidence is currently insufficient to determine the role of this variant in disease. Therefore, it has been classified as a Variant of Uncertain Significance. Experimental studies and prediction algorithms are not available or were not evaluated, and the effect of this variant on mRNA splicing is currently unknown. This variant has not been reported in the literature in individuals affected with SHH-related conditions. This variant is not present in population databases (gnomAD no frequency). This variant occurs in a non-coding region of the SHH gene. It does not change the encoded amino acid sequence of the SHH protein.